The following is an entry in ClinVar:

NM_000458.4(HNF1B):c.345-11_363dup

Gene: HNF1B (HNF1 homeobox B; minus strand). Cytogenetic location: 17q12.
Variant type: Duplication.
Coding change: c.345-11_363dup on transcript NM_000458.4 (MANE Select); 11 bases into the intron before coding-DNA position 345 through coding-DNA position 363, 30 bases duplicated (TGTCTGTCTAGTGAGGACCCTTGGAGGGCT).
Molecular consequence: splice acceptor variant.
Genome position (GRCh38, 1-based): chr17:37,739,621-37,739,650, AGCCCTCCAAGGGTCCTCACTAGACAGACA duplicated on the plus strand (TGTCTGTCTAGTGAGGACCCTTGGAGGGCT on the coding strand, the reverse complement: HNF1B is on the minus strand); duplicating any 30 consecutive bases within chr17:37,739,621-37,739,653 gives the same sequence; the c. name uses the placement nearest the transcript's 3' end. VCF-style (leftmost placement, unchanged base first): chr17-37739620-C-CAGCCCTCCAAGGGTCCTCACTAGACAGACA. GRCh37 (hg19) VCF-style: chr17-36099611-C-CAGCCCTCCAAGGGTCCTCACTAGACAGACA.
Other names: c.345-11_363dup (NM_001304286.2, NM_001165923.4, NM_001411100.1).
Identifiers: ClinVar variation 4998026 (VCV004998026.1).
Genomic context (GRCh38, chr17:37,739,620, plus strand): 5'-CATCGACCACCTCCCTCTGGGGGATGTTGTGTTGCTGCATGTAACCCTTGATCATTTTAG[C>CAGCCCTCCAAGGGTCCTCACTAGACAGACA]AGCCCTCCAAGGGTCCTCACTAGACAGACAAGCAGATGGTTAGGGTACTAGTGGGAGACA-3'

ClinVar aggregate classification (germline): Uncertain significance (1 of 4 stars; one submission).

Conditions:
HNF1B-related disorder. Also called: HNF1B-related condition; HNF1B-related disorders.

Submission:

PreventionGenetics, part of Exact Sciences
Classification: Uncertain significance for HNF1B-related condition. Last evaluated: 2025-05-02. Review status: criteria provided, single submitter. Criteria: ACMG Guidelines, 2015. Collection method: clinical testing. Allele origin: germline.
Comment: The HNF1B c.345-11_363dup30 variant is predicted to result in an in-frame duplication (p.?). This variant results in retainment of a consensus AG acceptor sequence at the junction of intron 1 and exon 2, therefore it is unclear whether this variant impacts splicing. To our knowledge, this variant has not been reported in the literature or in a large population database (gnomAD), indicating this variant is rare. At this time, the clinical significance of this variant is uncertain due to the absence of conclusive functional and genetic evidence.